The following is an entry in ClinVar:

ClinVar aggregate classification (germline): Likely pathogenic (1 of 4 stars; one submission).

Conditions:
Dilated cardiomyopathy 1G (CMD1G). Identifiers: Orphanet 154, MedGen C1858763, MONDO:0011400, OMIM 604145.
Autosomal recessive limb-girdle muscular dystrophy type 2J (LGMDR10). Also called: Limb-girdle muscular dystrophy, type 2J; MUSCULAR DYSTROPHY, LIMB-GIRDLE, AUTOSOMAL RECESSIVE 10. Identifiers: Orphanet 140922, MedGen C1837342, MONDO:0012127, OMIM 608807.

Submission:

Labcorp Genetics (formerly Invitae), Labcorp
Classification: Likely pathogenic for Dilated cardiomyopathy 1G; Autosomal recessive limb-girdle muscular dystrophy type 2J. Last evaluated: 2023-09-21. Review status: criteria provided, single submitter. Criteria: Invitae Variant Classification Sherloc (09022015). Collection method: clinical testing. Allele origin: germline.
Comment: In summary, the currently available evidence indicates that the variant is pathogenic, but additional data are needed to prove that conclusively. Therefore, this variant has been classified as Likely Pathogenic. This sequence change creates a premature translational stop signal (p.Asp33013Ilefs*48) in the TTN gene. While this is not anticipated to result in nonsense mediated decay, it is expected to create a truncated TTN protein. This variant is not present in population databases (gnomAD no frequency). This variant has not been reported in the literature in individuals affected with TTN-related conditions. This variant is located in the A band of TTN (PMID: 25589632). Truncating variants in this region are significantly overrepresented in patients affected with dilated cardiomyopathy (PMID: 25589632). Truncating variants in this region have also been reported in individuals affected with autosomal recessive centronuclear myopathy (PMID: 23975875).

Literature cited by the submitters: PubMed 25589632; PubMed 23975875.

NM_001267550.2(TTN):c.99033del (p.Asp33013fs)

Genes: TTN-AS1 (TTN antisense RNA 1; plus strand), TTN (titin; minus strand). Cytogenetic location: 2q31.2.
Variant type: Deletion.
Coding change: c.99033del on transcript NM_001267550.2 (MANE Select); coding-DNA position 99033, one base deleted (C; older notation c.99033delC).
Protein change: p.Asp33013fs; shifts the reading frame from aspartic acid 33013.
Molecular consequence: frameshift variant. On other transcripts: non-coding transcript variant (1).
Genome position (GRCh38, 1-based): chr2:178,538,796, G deleted on the plus strand (C on the coding strand, the reverse complement: TTN is on the minus strand); the first of 2 consecutive G bases (chr2:178,538,796-178,538,797); deleting either gives the same sequence. VCF-style (leftmost placement, unchanged base first): chr2-178538795-TG-T. GRCh37 (hg19) VCF-style: chr2-179403522-TG-T.
Other names: c.94110del, p.Asp31372fs (NM_001256850.1); c.71838del, p.Asp23948fs (NM_003319.4); c.91329del, p.Asp30445fs (NM_133378.4); c.72213del, p.Asp24073fs (NM_133432.3); c.72414del, p.Asp24140fs (NM_133437.4); short protein forms D30445fs, D31372fs, D23948fs, D24073fs, D24140fs, D33013fs.
Identifiers: ClinVar variation 2952115 (VCV002952115.3), dbSNP rs2468737055, ClinGen allele CA2740096329.